The following is an entry in ClinVar:

ClinVar aggregate classification (germline): Likely benign (1 of 4 stars; one submission).

gnomAD v4.1: 20 of 1,552,132 alleles (0.0013%); highest among the groups gnomAD compares: African/African-American, 0.0027%; no homozygotes.

Submission:

CeGaT Center for Human Genetics Tuebingen
Classification: Likely benign. Last evaluated: 2025-04-01. Review status: criteria provided, single submitter. Criteria: CeGaT Center For Human Genetics Tuebingen Variant Classification Criteria Version 2. Collection method: clinical testing. Allele origin: germline. Affected: yes. Observed: 1 variant allele.
Comment: AP5Z1: BP4, BP7

NM_014855.3(AP5Z1):c.1761C>T (p.Ser587=)

Gene: AP5Z1 (adaptor related protein complex 5 subunit zeta 1; plus strand). Cytogenetic location: 7p22.1.
Variant type: single nucleotide variant.
Coding change: c.1761C>T on transcript NM_014855.3 (MANE Select); coding-DNA position 1761, C replaced by T.
Protein change: p.Ser587=; no amino-acid change (serine 587 retained).
Molecular consequence: synonymous variant. On other transcripts: non-coding transcript variant (1).
Genome position (GRCh38, 1-based): chr7:4,789,885, C>T. VCF-style: chr7-4789885-C-T. GRCh37 (hg19) VCF-style: chr7-4829516-C-T.
Other names: c.1293C>T, p.Ser431= (NM_001364858.1).
Identifiers: ClinVar variation 3778192 (VCV003778192.7).